The following is an entry in ClinVar:

ClinVar aggregate classification (germline): Likely pathogenic (1 of 4 stars; one submission).

Submission:

Dasa
Classification: Likely pathogenic. Last evaluated: 2026-03-25. Review status: criteria provided, single submitter. Criteria: DASA Assertion Criteria. Collection method: clinical testing. Allele origin: germline.
Comment: NM_001323289.2(CDKL5):c.594_595insAC (p.Cys199Thrfs*30) is a frameshift variant in CDKL5 predicted to alter the reading frame and introduce a premature termination codon and is predicted to result in an absent or altered protein product. Loss of function is an established disease mechanism for CDKL5 (PMID: 15492925; PMID: 15689447; PMID: 19241098). Also, this variant is rare in population databases. Based on the currently available evidence, this variant is classified as likely pathogenic.

Literature cited by the submitters: PubMed 15492925; PubMed 15689447; PubMed 19241098.

NM_001323289.2(CDKL5):c.594_595insAC (p.Cys199fs)

Gene: CDKL5 (cyclin dependent kinase like 5; plus strand). Cytogenetic location: Xp22.13.
Variant type: Insertion.
Coding change: c.594_595insAC on transcript NM_001323289.2 (MANE Select); coding-DNA positions 594 to 595, AC inserted.
Protein change: p.Cys199fs; shifts the reading frame from cysteine 199.
Molecular consequence: frameshift variant.
Genome position: GRCh38 VCF-style: chrX-18587992-G-GCA. GRCh37 (hg19) VCF-style: chrX-18606112-G-GCA.
Other names: c.594_595insAC, p.Cys199fs (NM_001037343.2, NM_003159.3); short protein forms C199fs.
Identifiers: ClinVar variation 4880701 (VCV004880701.2).
Genomic context (GRCh38, chrX:18,587,992, plus strand): 5'-AATCTCTTCCTTTATTTTTCAGCGCTCCCTATGGAAAGTCCGTGGACATGTGGTCGGTGG[G>GCA]CTGTATTCTTGGGGAGCTTAGCGATGGACAGCCTTTATTTCCTGGAGAAAGTGAAATTGA-3'